The following is an entry in ClinVar:

NM_000023.4(SGCA):c.37+1G>T

Gene: SGCA (sarcoglycan alpha; plus strand). Cytogenetic location: 17q21.33.
Variant type: single nucleotide variant.
Coding change: c.37+1G>T on transcript NM_000023.4 (MANE Select); the canonical splice donor site of the intron after coding-DNA position 37, G replaced by T.
Molecular consequence: splice donor variant.
Genome position (GRCh38, 1-based): chr17:50,166,078, G>T. VCF-style: chr17-50166078-G-T. GRCh37 (hg19) VCF-style: chr17-48243439-G-T.
Other names: c.37+1G>T (NM_001135697.3, NM_000023.3).
Identifiers: ClinVar variation 2707194 (VCV002707194.4), dbSNP rs111386656, ClinGen allele CA291568976.
Genomic context (GRCh38, chr17:50,166,078, plus strand): 5'-CGGGCGGGCCAGGCCGGGCAGCCATGGCTGAGACACTCTTCTGGACTCCTCTCCTCGTGG[G>T]CAAGTTGGGGCCTTGTTCAGCGGGGAGGCCCAGGATGAGGGGGCAGGATTTAGGGGTGGT-3'

ClinVar aggregate classification (germline): Pathogenic/Likely pathogenic. Review status: criteria provided, multiple submitters, no conflicts (2 of 4 stars). 2 submissions from 2 submitters: Pathogenic (1); Likely pathogenic (1). Last evaluated 2025-08-30.

Conditions:
Autosomal recessive limb-girdle muscular dystrophy type 2D (LGMDR3). Also called: MUSCULAR DYSTROPHY, LIMB-GIRDLE, AUTOSOMAL RECESSIVE 3; ADHALINOPATHY, PRIMARY; DUCHENNE-LIKE AUTOSOMAL RECESSIVE MUSCULAR DYSTROPHY, TYPE 2. Identifiers: Orphanet 62, MedGen C2936332, MONDO:0011968, OMIM 608099. Disease mechanism: Affects gamma-sarcoglycan and also disrupts the integrity of the entire sarcoglycan complex..

Submissions (2):

Natera, Inc.
Classification: Pathogenic for Limb-girdle muscular dystrophy type 2D. Last evaluated: 2025-08-30. Review status: criteria provided, single submitter. Criteria: Natera Variant Classification Schema (03/2026). Collection method: clinical testing. Allele origin: germline.
Comment: The c.37+1G>T variant in SGCA is a canonical splice donor site variant predicted to affect pre-mRNA splicing, which may result in an abnormal transcript and altered protein product. This variant is expected to result in nonsense mediated decay, truncation, or a dysfunctional protein product. This variant is rare in the general population with a frequency below the threshold expected for the associated phenotype(s). This variant has been observed in one or more individuals affected with the associated recessive disease, as either homozygous or compound heterozygous with a second variant (PMID: 35416532). Given the available evidence, this variant is classified as Pathogenic.

Labcorp Genetics (formerly Invitae), Labcorp
Classification: Likely pathogenic for Autosomal recessive limb-girdle muscular dystrophy type 2D. Last evaluated: 2024-01-03. Review status: criteria provided, single submitter. Criteria: Invitae Variant Classification Sherloc (09022015). Collection method: clinical testing. Allele origin: germline.
Comment: This sequence change affects a donor splice site in intron 1 of the SGCA gene. It is expected to disrupt RNA splicing. Variants that disrupt the donor or acceptor splice site typically lead to a loss of protein function (PMID: 16199547), and loss-of-function variants in SGCA are known to be pathogenic (PMID: 9192266). This variant is not present in population databases (gnomAD no frequency). Disruption of this splice site has been observed in individual(s) with SGCA-related conditions (PMID: 35416532). In summary, the currently available evidence indicates that the variant is pathogenic, but additional data are needed to prove that conclusively. Therefore, this variant has been classified as Likely Pathogenic.

Literature cited by the submitters: PubMed 35416532 (cited by Natera, Inc. and Labcorp Genetics (formerly Invitae), Labcorp); PubMed 16199547 (cited by Labcorp Genetics (formerly Invitae), Labcorp); PubMed 9192266 (cited by Labcorp Genetics (formerly Invitae), Labcorp).